The following is an entry in ClinVar:

ClinVar aggregate classification (germline): Conflicting classifications of pathogenicity. Review status: criteria provided, conflicting classifications (1 of 4 stars). 2 submissions from 2 submitters: Uncertain significance (1); Likely benign (1). Last evaluated 2025-11-03.

Conditions:
Inborn genetic diseases. Identifiers: MedGen C0950123, MeSH D030342.

Allele frequency attached by ClinVar (database versions not stated): gnomAD 0.00002 and 0.00001; ESP Exome Variant Server 0.00008; TOPMed 0.00003; ExAC 0.00004.
gnomAD v4.1: 14 of 1,603,380 alleles (0.00087%); highest among the groups gnomAD compares: Middle Eastern, 0.017%; no homozygotes.

Submissions (2):

Ambry Genetics
Classification: Likely benign for Inborn genetic diseases. Last evaluated: 2025-11-03. Review status: criteria provided, single submitter. Criteria: Ambry Variant Classification Scheme 2023. Collection method: clinical testing. Allele origin: germline.

Labcorp Genetics (formerly Invitae), Labcorp
Classification: Uncertain significance. Last evaluated: 2022-08-09. Review status: criteria provided, single submitter. Criteria: Invitae Variant Classification Sherloc (09022015). Collection method: clinical testing. Allele origin: germline.
Comment: This sequence change replaces glycine, which is neutral and non-polar, with arginine, which is basic and polar, at codon 604 of the MCPH1 protein (p.Gly604Arg). This variant is present in population databases (rs369120387, gnomAD 0.009%). This variant has not been reported in the literature in individuals affected with MCPH1-related conditions. ClinVar contains an entry for this variant (Variation ID: 1389506). Algorithms developed to predict the effect of missense changes on protein structure and function output the following: SIFT: "Not Available"; PolyPhen-2: "Benign"; Align-GVGD: "Not Available". The arginine amino acid residue is found in multiple mammalian species, which suggests that this missense change does not adversely affect protein function. In summary, the available evidence is currently insufficient to determine the role of this variant in disease. Therefore, it has been classified as a Variant of Uncertain Significance.

NM_024596.5(MCPH1):c.1810G>A (p.Gly604Arg)

Gene: MCPH1 (microcephalin 1; plus strand). Cytogenetic location: 8p23.1.
Variant type: single nucleotide variant.
Coding change: c.1810G>A on transcript NM_024596.5 (MANE Select); coding-DNA position 1810, G replaced by A.
Protein change: p.Gly604Arg; replaces glycine 604 with arginine.
Molecular consequence: missense variant. On other transcripts: non-coding transcript variant (1).
Genome position (GRCh38, 1-based): chr8:6,445,532, G>A. VCF-style: chr8-6445532-G-A. GRCh37 (hg19) VCF-style: chr8-6303053-G-A.
Other names: c.1810G>A, p.Gly604Arg (NM_001172574.2, NM_001322042.2, NM_001363979.1 and 1 more transcripts); c.1666G>A, p.Gly556Arg (NM_001172575.2); c.1804G>A, p.Gly602Arg (NM_001322043.2); c.1708G>A, p.Gly570Arg (NM_001322045.2); c.1810G>A (NM_024596.3); short protein forms G556R, G604R, G570R, G602R.
Identifiers: ClinVar variation 1389506 (VCV001389506.4), dbSNP rs369120387, ClinGen allele CA4610648.